The following is an entry in ClinVar:

ClinVar aggregate classification (germline): Likely pathogenic. Review status: criteria provided, multiple submitters, no conflicts (2 of 4 stars). 2 submissions from 2 submitters: Likely pathogenic (2). Last evaluated 2023-02-15.

Conditions:
Familial focal epilepsy with variable foci (FPEVF). Identifiers: Orphanet 98820, MedGen C1858477, MONDO:0020310.
Epilepsy, familial focal, with variable foci 1 (FFEVF1). Also called: DEPDC5-Related Epilepsy. Identifiers: MedGen C4551983, MONDO:0024556, OMIM 604364.

Submissions (2):

Labcorp Genetics (formerly Invitae), Labcorp
Classification: Likely pathogenic for Familial focal epilepsy with variable foci. Last evaluated: 2023-02-15. Review status: criteria provided, single submitter. Criteria: Invitae Variant Classification Sherloc (09022015). Collection method: clinical testing. Allele origin: germline.
Comment: In summary, the currently available evidence indicates that the variant is pathogenic, but additional data are needed to prove that conclusively. Therefore, this variant has been classified as Likely Pathogenic. Algorithms developed to predict the effect of sequence changes on RNA splicing suggest that this variant may disrupt the consensus splice site. ClinVar contains an entry for this variant (Variation ID: 1685297). This variant has not been reported in the literature in individuals affected with DEPDC5-related conditions. This variant is not present in population databases (gnomAD no frequency). This sequence change affects an acceptor splice site in intron 14 of the DEPDC5 gene. It is expected to disrupt RNA splicing. Variants that disrupt the donor or acceptor splice site typically lead to a loss of protein function (PMID: 16199547), and loss-of-function variants in DEPDC5 are known to be pathogenic (PMID: 23542697, 23542701).

Mendelics
Classification: Likely pathogenic for Epilepsy, familial focal, with variable foci 1. Last evaluated: 2022-05-04. Review status: criteria provided, single submitter. Criteria: Mendelics Assertion Criteria 2019. Collection method: clinical testing. Allele origin: germline.

Literature cited by the submitters: PubMed 16199547 (cited by Labcorp Genetics (formerly Invitae), Labcorp); PubMed 23542697 (cited by Labcorp Genetics (formerly Invitae), Labcorp); PubMed 23542701 (cited by Labcorp Genetics (formerly Invitae), Labcorp).

NM_001242896.3(DEPDC5):c.947-1G>A

Gene: DEPDC5 (DEP domain containing 5, GATOR1 subcomplex subunit; plus strand). Cytogenetic location: 22q12.3.
Variant type: single nucleotide variant.
Coding change: c.947-1G>A on transcript NM_001242896.3 (MANE Select); the canonical splice acceptor site of the intron before coding-DNA position 947, G replaced by A.
Molecular consequence: splice acceptor variant.
Genome position (GRCh38, 1-based): chr22:31,802,703, G>A. VCF-style: chr22-31802703-G-A. GRCh37 (hg19) VCF-style: chr22-32198689-G-A.
Other names: c.947-1G>A (NM_001364318.2, NM_001136029.4, NM_014662.6 and 7 more transcripts); c.863-1G>A (NM_001369902.1, NM_001369901.1).
Identifiers: ClinVar variation 1685297 (VCV001685297.4), dbSNP rs2148633437, ClinGen allele CA411292666.
Genomic context (GRCh38, chr22:31,802,703, plus strand): 5'-CTGTGACAGGGTTCTGAAAAGCTGTAACATCATTATTGTGGAATTTTTGTTTTATTTCTA[G>A]TGTTTGATAAGCACTACATCAACCGCAACTTTGACCGAACTGGGCAGATGTCAGTGGTGA-3'